The following is an entry in ClinVar:

NM_000302.4(PLOD1):c.580-2A>G

Gene: PLOD1 (procollagen-lysine,2-oxoglutarate 5-dioxygenase 1; plus strand). Cytogenetic location: 1p36.22.
Variant type: single nucleotide variant.
Coding change: c.580-2A>G on transcript NM_000302.4 (MANE Select); the canonical splice acceptor site of the intron before coding-DNA position 580, A replaced by G.
Molecular consequence: splice acceptor variant.
Genome position (GRCh38, 1-based): chr1:11,954,828, A>G. VCF-style: chr1-11954828-A-G. GRCh37 (hg19) VCF-style: chr1-12014885-A-G.
Other names: c.721-2A>G (NM_001316320.2).
Identifiers: ClinVar variation 2804357 (VCV002804357.3), dbSNP rs2522822079, ClinGen allele CA338428883.

ClinVar aggregate classification (germline): Likely pathogenic (1 of 4 stars; one submission).

Conditions:
Ehlers-Danlos syndrome, kyphoscoliotic type 1 (EDSKSCL1). Also called: EHLERS-DANLOS SYNDROME, OCULAR-SCOLIOTIC TYPE; PLOD1-Related Kyphoscoliotic Ehlers-Danlos Syndrome; EHLERS-DANLOS SYNDROME, TYPE VIA; Ehlers-Danlos syndrome, hydroxylysine-deficient. Identifiers: Orphanet 1900, MedGen C0268342, MONDO:0016002, OMIM 225400. Disease mechanism: loss of function.

Submission:

Labcorp Genetics (formerly Invitae), Labcorp
Classification: Likely pathogenic for Ehlers-Danlos syndrome, kyphoscoliotic type 1. Last evaluated: 2024-09-23. Review status: criteria provided, single submitter. Criteria: Invitae Variant Classification Sherloc (09022015). Collection method: clinical testing. Allele origin: germline.
Comment: This sequence change affects an acceptor splice site in intron 5 of the PLOD1 gene. It is expected to disrupt RNA splicing. Variants that disrupt the donor or acceptor splice site typically lead to a loss of protein function (PMID: 16199547), and loss-of-function variants in PLOD1 are known to be pathogenic (PMID: 10874315, 21699693). This variant is not present in population databases (gnomAD no frequency). This variant has not been reported in the literature in individuals affected with PLOD1-related conditions. Algorithms developed to predict the effect of sequence changes on RNA splicing suggest that this variant may disrupt the consensus splice site. In summary, the currently available evidence indicates that the variant is pathogenic, but additional data are needed to prove that conclusively. Therefore, this variant has been classified as Likely Pathogenic.

Literature cited by the submitters: PubMed 16199547; PubMed 10874315; PubMed 21699693.